The following is an entry in ClinVar:

NM_001164508.2(NEB):c.2017T>C (p.Tyr673His)

Gene: NEB (nebulin; minus strand). Cytogenetic location: 2q23.3.
Variant type: single nucleotide variant.
Coding change: c.2017T>C on transcript NM_001164508.2 (MANE Select); coding-DNA position 2017, T replaced by C.
Protein change: p.Tyr673His; replaces tyrosine 673 with histidine.
Molecular consequence: missense variant.
Genome position (GRCh38, 1-based): chr2:151,692,148, A>G on the plus strand (T>C on the coding strand, the complement: NEB is on the minus strand). VCF-style: chr2-151692148-A-G. GRCh37 (hg19) VCF-style: chr2-152548662-A-G.
Other names: c.2017T>C, p.Tyr673His (NM_001164507.2, NM_001271208.2, NM_004543.5); short protein forms Y673H.
Identifiers: ClinVar variation 2051449 (VCV002051449.1), dbSNP rs761724784, ClinGen allele CA1911360.

ClinVar aggregate classification (germline): Uncertain significance (1 of 4 stars; one submission).

Conditions:
Nemaline myopathy 2 (NEM2). Also called: Nemaline myopathy 2, autosomal recessive. Identifiers: MedGen C1850569, MONDO:0009725, OMIM 256030.

Allele frequency attached by ClinVar (database versions not stated): ExAC 0.00001; gnomAD 0.00001; gnomAD exomes 0.00001.
gnomAD v4.1: 13 of 1,613,440 alleles (0.00081%); highest among the groups gnomAD compares: Middle Eastern, 0.049%; no homozygotes.

Submission:

Labcorp Genetics (formerly Invitae), Labcorp
Classification: Uncertain significance for Nemaline myopathy 2. Last evaluated: 2021-06-11. Review status: criteria provided, single submitter. Criteria: Invitae Variant Classification Sherloc (09022015). Collection method: clinical testing. Allele origin: germline.
Comment: This sequence change replaces tyrosine with histidine at codon 673 of the NEB protein (p.Tyr673His). The tyrosine residue is moderately conserved and there is a moderate physicochemical difference between tyrosine and histidine. This variant is present in population databases (rs761724784, ExAC 0.001%). This variant has not been reported in the literature in individuals with NEB-related conditions. Algorithms developed to predict the effect of missense changes on protein structure and function are either unavailable or do not agree on the potential impact of this missense change (SIFT: "Deleterious"; PolyPhen-2: "Not Available"; Align-GVGD: "Class C0"). In summary, the available evidence is currently insufficient to determine the role of this variant in disease. Therefore, it has been classified as a Variant of Uncertain Significance.